The following is an entry in ClinVar:

NM_000368.5(TSC1):c.1905A>G (p.Thr635=)

Gene: TSC1 (TSC complex subunit 1; minus strand). Cytogenetic location: 9q34.13.
Variant type: single nucleotide variant.
Coding change: c.1905A>G on transcript NM_000368.5 (MANE Select); coding-DNA position 1905, A replaced by G.
Protein change: p.Thr635=; no amino-acid change (threonine 635 retained).
Molecular consequence: synonymous variant.
Genome position (GRCh38, 1-based): chr9:132,905,673, T>C on the plus strand (A>G on the coding strand, the complement: TSC1 is on the minus strand). VCF-style: chr9-132905673-T-C. GRCh37 (hg19) VCF-style: chr9-135781060-T-C.
Other names: c.1902A>G, p.Thr634= (NM_001162426.2); c.1752A>G, p.Thr584= (NM_001162427.2); c.1542A>G, p.Thr514= (NM_001362177.2).
Identifiers: ClinVar variation 1669585 (VCV001669585.11), dbSNP rs2131814347, ClinGen allele CA467813036.

ClinVar aggregate classification (germline): Benign/Likely benign. Review status: criteria provided, multiple submitters, no conflicts (2 of 4 stars). 3 submissions from 3 submitters: Benign (1); Likely benign (2). Last evaluated 2025-04-10.

Conditions:
Tuberous sclerosis 1 (TSC1). Identifiers: Orphanet 805, MedGen C1854465, MONDO:0008612, OMIM 191100.
Hereditary cancer-predisposing syndrome. Also called: Hereditary neoplastic syndrome; Hereditary Cancer Syndrome; Tumor predisposition; Neoplastic Syndromes, Hereditary. Identifiers: Orphanet 140162, MedGen C0027672, MeSH D009386, MONDO:0015356.

Submissions (3):

Myriad Genetics, Inc.
Classification: Benign for Tuberous sclerosis 1. Last evaluated: 2025-04-10. Review status: criteria provided, single submitter. Criteria: Myriad Autosomal Dominant, Autosomal Recessive and X-Linked Classification Criteria (2023). Collection method: clinical testing. Allele origin: unknown.
Comment: This variant is considered benign. This variant is a silent/synonymous amino acid change and it is not expected to impact splicing.

Labcorp Genetics (formerly Invitae), Labcorp
Classification: Likely benign for Tuberous sclerosis 1. Last evaluated: 2022-11-26. Review status: criteria provided, single submitter. Criteria: Invitae Variant Classification Sherloc (09022015). Collection method: clinical testing. Allele origin: germline.

Ambry Genetics
Classification: Likely benign for Hereditary cancer-predisposing syndrome. Last evaluated: 2021-01-21. Review status: criteria provided, single submitter. Criteria: Ambry Variant Classification Scheme 2023. Collection method: clinical testing. Allele origin: germline.